The following is an entry in ClinVar:

NM_001267550.2(TTN):c.6192T>G (p.Phe2064Leu)

Gene: TTN (titin; minus strand). Cytogenetic location: 2q31.2.
Variant type: single nucleotide variant.
Coding change: c.6192T>G on transcript NM_001267550.2 (MANE Select); coding-DNA position 6192, T replaced by G.
Protein change: p.Phe2064Leu; replaces phenylalanine 2064 with leucine.
Molecular consequence: missense variant.
Genome position (GRCh38, 1-based): chr2:178,775,672, A>C on the plus strand (T>G on the coding strand, the complement: TTN is on the minus strand). VCF-style: chr2-178775672-A-C. GRCh37 (hg19) VCF-style: chr2-179640399-A-C.
Other names: c.6054T>G, p.Phe2018Leu (NM_003319.4, NM_133432.3, NM_133437.4); c.6192T>G, p.Phe2064Leu (NM_133378.4, NM_133379.5, NM_001256850.1); c.6192T>G (NM_001267550.1); short protein forms F2064L, F2018L.
Identifiers: ClinVar variation 467343 (VCV000467343.8), dbSNP rs759437501, ClinGen allele CA2005088.
Genomic context (GRCh38, chr2:178,775,672, plus strand): 5'-GATTCTTTCGAAGATTTTTGGAGCCTCCATACTAGGACTTAGTTCAATCTTGTCAGGTTT[A>C]AAAGTTGGAATCGTGATTTTGCCTTCTTCGGCAAGAGCTTTCTTTTCCTCTTCAGTTAAC-3'
Protein context (NP_001254479.2, residues 2054-2074): AEEGKITIPT[Phe2064Leu]KPDKIELSPS

ClinVar aggregate classification (germline): Uncertain significance. Review status: criteria provided, multiple submitters, no conflicts (2 of 4 stars). 4 submissions from 4 submitters: Uncertain significance (4). Last evaluated 2025-10-09.

Conditions:
Autosomal recessive limb-girdle muscular dystrophy type 2J (LGMDR10). Also called: Limb-girdle muscular dystrophy, type 2J; MUSCULAR DYSTROPHY, LIMB-GIRDLE, AUTOSOMAL RECESSIVE 10. Identifiers: Orphanet 140922, MedGen C1837342, MONDO:0012127, OMIM 608807.
Dilated cardiomyopathy 1G (CMD1G). Identifiers: Orphanet 154, MedGen C1858763, MONDO:0011400, OMIM 604145.

Allele frequency attached by ClinVar (database versions not stated): TOPMed below 0.00001; gnomAD 0.00001; ExAC 0.00002.
gnomAD v4.1: 19 of 1,613,984 alleles (0.0012%); highest among the groups gnomAD compares: Non-Finnish European, 0.0015%; 1 homozygote.

Submissions (4):

Women's Health and Genetics/Laboratory Corporation of America, LabCorp
Classification: Uncertain significance. Last evaluated: 2025-10-09. Review status: criteria provided, single submitter. Criteria: LabCorp Variant Classification Summary - May 2015. Collection method: clinical testing. Allele origin: germline.
Comment: Variant summary: TTN c.6192T>G (p.Phe2064Leu) results in a non-conservative amino acid change in the encoded protein sequence. Algorithms developed to predict the effect of missense changes on protein structure and function are either unavailable or do not agree on the potential impact of this missense change. The variant allele was found at a frequency of 1.6e-05 in 250164 control chromosomes. The available data on variant occurrences in the general population are insufficient to allow any conclusion about variant significance. c.6192T>G has been observed in an individual experiencing sudden unexpected infant death (e.g. Bard_2024). These report(s) do not provide unequivocal conclusions about association of the variant with Autosomal Recessive Titinopathy. To our knowledge, no experimental evidence demonstrating an impact on protein function has been reported. The following publication has been ascertained in the context of this evaluation (PMID: 38895864). ClinVar contains an entry for this variant (Variation ID: 467343). Based on the evidence outlined above, the variant was classified as uncertain significance.

Athena Diagnostics
Classification: Uncertain significance. Last evaluated: 2022-09-27. Review status: criteria provided, single submitter. Criteria: Athena Diagnostics Criteria. Collection method: clinical testing. Allele origin: unknown.
Comment: Available data are insufficient to determine the clinical significance of the variant at this time. The frequency of this variant in the general population is uninformative in assessment of its pathogenicity. Computational tools predict that this variant is not damaging.

Revvity Omics, Revvity
Classification: Uncertain significance. Last evaluated: 2020-10-28. Review status: criteria provided, single submitter. Criteria: ACMG Guidelines, 2015. Collection method: clinical testing. Allele origin: germline.

Labcorp Genetics (formerly Invitae), Labcorp
Classification: Uncertain significance for Dilated cardiomyopathy 1G; Autosomal recessive limb-girdle muscular dystrophy type 2J. Last evaluated: 2017-03-02. Review status: criteria provided, single submitter. Criteria: Invitae Variant Classification Sherloc (09022015). Collection method: clinical testing. Allele origin: germline.

Literature cited by the submitters: PubMed 38895864 (cited by Women's Health and Genetics/Laboratory Corporation of America, LabCorp).